The following is an entry in ClinVar:

ClinVar aggregate classification (germline): Likely pathogenic (1 of 4 stars; one submission).

Conditions:
Osteogenesis imperfecta type III (OI3). Also called: Progressively Deforming Osteogenesis Imperfecta; Osteogenesis imperfecta type 3; OI type 3; Osteogenesis imperfecta, progressively deforming with normal sclerae; OI type III. Identifiers: Orphanet 216812, Orphanet 666, MedGen C0268362, MONDO:0009804, OMIM 259420.

Submission:

Clinical Biomedical Laboratory, Shriners Hospital For Children - Canada
Classification: Likely pathogenic for Osteogenesis imperfecta type III. Last evaluated: 2025-07-16. Review status: criteria provided, single submitter. Criteria: ACMG Guidelines, 2015. Collection method: clinical testing. Allele origin: germline. Affected: yes.
Comment: This variant is predicted to substitute a glycine residue by an aspartic acid residue in the alpha 2 chain of collagen type I. Glycine substitutions in the triple helical domain of collagen type I cause disruption in the formation of the triple helix in the collagen molecule and are a typical cause of osteogenesis imperfecta. This specific variant has not been reported in ClinVar. The variant is absent from the Genome Aggregation Database v.2.1.1, indicating it is very rare. Prediction tools: (REVEL: 0.99) suggest that the variant is deleterious to protein function.

NM_000089.4(COL1A2):c.1145G>A (p.Gly382Asp)

Gene: COL1A2 (collagen type I alpha 2 chain; plus strand). Cytogenetic location: 7q21.3.
Variant type: single nucleotide variant.
Coding change: c.1145G>A on transcript NM_000089.4 (MANE Select); coding-DNA position 1145, G replaced by A.
Protein change: p.Gly382Asp; replaces glycine 382 with aspartic acid.
Molecular consequence: missense variant.
Genome position (GRCh38, 1-based): chr7:94,410,475, G>A. VCF-style: chr7-94410475-G-A. GRCh37 (hg19) VCF-style: chr7-94039787-G-A.
Other names: short protein forms G382D.
Identifiers: ClinVar variation 4075338 (VCV004075338.1).